The following is an entry in ClinVar:

ClinVar aggregate classification (germline): Uncertain significance (1 of 4 stars; one submission).

gnomAD v4.1: 1 of 1,613,544 alleles (0.000062%); highest among the groups gnomAD compares: African/African-American, 0.0013%; no homozygotes.

Submission:

Athena Diagnostics
Classification: Uncertain significance. Last evaluated: 2024-02-23. Review status: criteria provided, single submitter. Criteria: Athena Diagnostics Criteria. Collection method: clinical testing. Allele origin: unknown.
Comment: Available data are insufficient to determine the clinical significance of the variant at this time. The frequency of this variant in the general population is uninformative in assessment of its pathogenicity. Computational tools yielded predictions that this variant is unlikely to have an effect on normal RNA splicing.

NM_182961.4(SYNE1):c.6669C>T (p.Asn2223=)

Gene: SYNE1 (spectrin repeat containing nuclear envelope protein 1; minus strand). Cytogenetic location: 6q25.2.
Variant type: single nucleotide variant.
Coding change: c.6669C>T on transcript NM_182961.4 (MANE Select); coding-DNA position 6669, C replaced by T.
Protein change: p.Asn2223=; no amino-acid change (asparagine 2223 retained).
Molecular consequence: synonymous variant.
Genome position (GRCh38, 1-based): chr6:152,407,068, G>A on the plus strand (C>T on the coding strand, the complement: SYNE1 is on the minus strand). VCF-style: chr6-152407068-G-A. GRCh37 (hg19) VCF-style: chr6-152728203-G-A.
Other names: c.6690C>T, p.Asn2230= (NM_033071.5).
Identifiers: ClinVar variation 3571886 (VCV003571886.1).